The following is an entry in ClinVar:

NM_000094.4(COL7A1):c.7106G>A (p.Gly2369Asp)

Gene: COL7A1 (collagen type VII alpha 1 chain; minus strand). Cytogenetic location: 3p21.31.
Variant type: single nucleotide variant.
Coding change: c.7106G>A on transcript NM_000094.4 (MANE Select); coding-DNA position 7106, G replaced by A.
Protein change: p.Gly2369Asp; replaces glycine 2369 with aspartic acid.
Molecular consequence: missense variant.
Genome position (GRCh38, 1-based): chr3:48,571,159, C>T on the plus strand (G>A on the coding strand, the complement: COL7A1 is on the minus strand). VCF-style: chr3-48571159-C-T. GRCh37 (hg19) VCF-style: chr3-48608592-C-T.
Other names: short protein forms G2369D.
Identifiers: ClinVar variation 1254750 (VCV001254750.5), dbSNP rs2107650135, ClinGen allele CA352651293.

ClinVar aggregate classification (germline): Conflicting classifications of pathogenicity. Review status: criteria provided, conflicting classifications (1 of 4 stars). 2 submissions from 2 submitters: Pathogenic (1); Uncertain significance (1). Last evaluated 2026-01-15.

Submissions (2):

Women's Health and Genetics/Laboratory Corporation of America, LabCorp
Classification: Uncertain significance. Last evaluated: 2026-01-15. Review status: criteria provided, single submitter. Criteria: LabCorp Variant Classification Summary - May 2015. Collection method: clinical testing. Allele origin: germline.
Comment: Variant summary: COL7A1 c.7106G>A (p.Gly2369Asp) results in a non-conservative amino acid change in the encoded protein sequence. Algorithms developed to predict the effect of missense changes on protein structure and function all suggest that this variant is likely to be disruptive. Consensus agreement among computation tools predict no significant impact on normal splicing. However, these predictions have yet to be confirmed by functional studies. The variant was absent in 250956 control chromosomes. The available data on variant occurrences in the general population are insufficient to allow any conclusion about variant significance. c.7106G>A has been observed in unspecified individual(s) affected with Dystrophic Epidermolysis Bullosa, Recessive with unknown second allele change (So_2024). These report(s) do not provide unequivocal conclusions about association of the variant with Dystrophic Epidermolysis Bullosa, Recessive. To our knowledge, no experimental evidence demonstrating an impact on protein function has been reported. The following publication have been ascertained in the context of this evaluation (PMID: 38735484). ClinVar contains an entry for this variant (Variation ID: 1254750). Based on the evidence outlined above, the variant was classified as uncertain significance.

GeneDx
Classification: Pathogenic. Last evaluated: 2021-08-12. Review status: criteria provided, single submitter. Criteria: GeneDx Variant Classification Process June 2021. Collection method: clinical testing. Allele origin: germline. Affected: yes.
Comment: Not observed at significant frequency in large population cohorts (Lek et al., 2016); In silico analysis supports that this missense variant has a deleterious effect on protein structure/function; Has not been previously published as pathogenic or benign to our knowledge; Located in the highly conserved Gly-X-Y repeat of the collagenous domain; Glycine substitution variants in this region of the COLVII protein destabilize the collagen triple helix resulting in skin fragility due to poor anchoring of the basement membrane to the underlying dermis (Pfendner and Lucky, 2018); This variant is associated with the following publications: (PMID: 20301481)

Literature cited by the submitters: PubMed 38735484 (cited by Women's Health and Genetics/Laboratory Corporation of America, LabCorp).